The following is an entry in ClinVar:

NM_005476.7(GNE):c.436A>G (p.Ile146Val)

Gene: GNE (glucosamine (UDP-N-acetyl)-2-epimerase/N-acetylmannosamine kinase; minus strand). Cytogenetic location: 9p13.3.
Variant type: single nucleotide variant.
Coding change: c.436A>G on transcript NM_005476.7 (MANE Select); coding-DNA position 436, A replaced by G.
Protein change: p.Ile146Val; replaces isoleucine 146 with valine.
Molecular consequence: missense variant.
Genome position (GRCh38, 1-based): chr9:36,246,211, T>C on the plus strand (A>G on the coding strand, the complement: GNE is on the minus strand). VCF-style: chr9-36246211-T-C. GRCh37 (hg19) VCF-style: chr9-36246208-T-C.
Other names: c.529A>G, p.Ile177Val (NM_001128227.3); c.436A>G, p.Ile146Val (NM_001190383.3, NM_001374797.1); c.259A>G, p.Ile87Val (NM_001190384.3, NM_001190388.2, NM_001374798.1); short protein forms I146V, I87V, I177V.
Identifiers: ClinVar variation 1432589 (VCV001432589.8), dbSNP rs2133112591, ClinGen allele CA373418698.

ClinVar aggregate classification (germline): Uncertain significance (1 of 4 stars; one submission).

Conditions:
GNE myopathy (NM). Also called: INCLUSION BODY MYOPATHY 2, AUTOSOMAL RECESSIVE; MYOPATHY, DISTAL, WITH OR WITHOUT RIMMED VACUOLES; INCLUSION BODY MYOPATHY, HEREDITARY, AUTOSOMAL RECESSIVE; NONAKA DISTAL MYOPATHY; IBM 2; Inclusion body myopathy autosomal recessive. Identifiers: Orphanet 602, MedGen C1853926, MONDO:0011603, OMIM 605820.
Sialuria. Also called: Sialic Acid Storage Disease; SIALURIA, FRENCH TYPE. Identifiers: Orphanet 3166, MedGen C0342853, MONDO:0010028, OMIM 269921.

Submission:

Labcorp Genetics (formerly Invitae), Labcorp
Classification: Uncertain significance for Sialuria; GNE myopathy. Last evaluated: 2021-06-28. Review status: criteria provided, single submitter. Criteria: Invitae Variant Classification Sherloc (09022015). Collection method: clinical testing. Allele origin: germline.
Comment: This sequence change replaces isoleucine with valine at codon 177 of the GNE protein (p.Ile177Val). The isoleucine residue is highly conserved and there is a small physicochemical difference between isoleucine and valine. This variant is not present in population databases (ExAC no frequency). This variant has not been reported in the literature in individuals with GNE-related conditions. Algorithms developed to predict the effect of missense changes on protein structure and function (SIFT, PolyPhen-2, Align-GVGD) all suggest that this variant is likely to be disruptive, but these predictions have not been confirmed by published functional studies and their clinical significance is uncertain. In summary, the available evidence is currently insufficient to determine the role of this variant in disease. Therefore, it has been classified as a Variant of Uncertain Significance.